The following is an entry in ClinVar:

ClinVar aggregate classification (germline): Uncertain significance (1 of 4 stars; one submission).

Allele frequency attached by ClinVar (database versions not stated): TOPMed below 0.00001; gnomAD 0.00001; gnomAD exomes 0.00001.
gnomAD v4.1: 11 of 1,614,026 alleles (0.00068%); highest among the groups gnomAD compares: Non-Finnish European, 0.00085%; no homozygotes.

Submission:

Labcorp Genetics (formerly Invitae), Labcorp
Classification: Uncertain significance. Last evaluated: 2022-02-20. Review status: criteria provided, single submitter. Criteria: Invitae Variant Classification Sherloc (09022015). Collection method: clinical testing. Allele origin: germline.
Comment: This sequence change replaces leucine, which is neutral and non-polar, with phenylalanine, which is neutral and non-polar, at codon 614 of the VLDLR protein (p.Leu614Phe). This variant is present in population databases (no rsID available, gnomAD 0.0009%). This variant has not been reported in the literature in individuals affected with VLDLR-related conditions. Algorithms developed to predict the effect of missense changes on protein structure and function are either unavailable or do not agree on the potential impact of this missense change (SIFT: "Not Available"; PolyPhen-2: "Probably Damaging"; Align-GVGD: "Not Available"). In summary, the available evidence is currently insufficient to determine the role of this variant in disease. Therefore, it has been classified as a Variant of Uncertain Significance.

NM_003383.5(VLDLR):c.1840C>T (p.Leu614Phe)

Gene: VLDLR (very low density lipoprotein receptor; plus strand). Cytogenetic location: 9p24.2.
Variant type: single nucleotide variant.
Coding change: c.1840C>T on transcript NM_003383.5 (MANE Select); coding-DNA position 1840, C replaced by T.
Protein change: p.Leu614Phe; replaces leucine 614 with phenylalanine.
Molecular consequence: missense variant.
Genome position (GRCh38, 1-based): chr9:2,648,225, C>T. VCF-style: chr9-2648225-C-T. GRCh37 (hg19) VCF-style: chr9-2648225-C-T.
Other names: c.1840C>T, p.Leu614Phe (NM_001018056.3); c.1717C>T, p.Leu573Phe (NM_001322225.2, NM_001322226.2); short protein forms L573F, L614F.
Identifiers: ClinVar variation 1988487 (VCV001988487.1), dbSNP rs1318818045, ClinGen allele CA372797227.
Genomic context (GRCh38, chr9:2,648,225, plus strand): 5'-TAGTAGTGGCTTGTCATGTAATGACAATTCTTTTCCTACCTAGACCTTATAAAAAGTCGC[C>T]TCTATTGGCTTGATTCTAAGTTGCACATGTTATCCAGCGTGGACTTGAATGGCCAAGATC-3'
Protein context (NP_003374.3, residues 604-624): GITLDLIKSR[Leu614Phe]YWLDSKLHML